The following is an entry in ClinVar:

ClinVar aggregate classification (germline): Likely pathogenic (1 of 4 stars; one submission).

Conditions:
Duchenne muscular dystrophy (DMD). Also called: MUSCULAR DYSTROPHY, PSEUDOHYPERTROPHIC PROGRESSIVE, DUCHENNE TYPE; Duchenne Muscular Dystrophy (DMD). Identifiers: Orphanet 98896, MedGen C0013264, MONDO:0010679, OMIM 310200.

Submission:

Labcorp Genetics (formerly Invitae), Labcorp
Classification: Likely pathogenic for Duchenne muscular dystrophy. Last evaluated: 2022-02-22. Review status: criteria provided, single submitter. Criteria: Invitae Variant Classification Sherloc (09022015). Collection method: clinical testing. Allele origin: germline.
Comment: Algorithms developed to predict the effect of sequence changes on RNA splicing suggest that this variant may disrupt the consensus splice site. In summary, the currently available evidence indicates that the variant is pathogenic, but additional data are needed to prove that conclusively. Therefore, this variant has been classified as Likely Pathogenic. This variant has not been reported in the literature in individuals affected with DMD-related conditions. This variant is not present in population databases (gnomAD no frequency). This sequence change affects an acceptor splice site in intron 7 of the DMD gene. It is expected to disrupt RNA splicing. Variants that disrupt the donor or acceptor splice site typically lead to a loss of protein function (PMID: 16199547), and loss-of-function variants in DMD are known to be pathogenic (PMID: 16770791, 25007885).

Literature cited by the submitters: PubMed 16199547; PubMed 16770791; PubMed 25007885.

NM_004006.3(DMD):c.650-1G>T

Gene: DMD (dystrophin; minus strand). Cytogenetic location: Xp21.1.
Variant type: single nucleotide variant.
Coding change: c.650-1G>T on transcript NM_004006.3 (MANE Select); the canonical splice acceptor site of the intron before coding-DNA position 650, G replaced by T.
Molecular consequence: splice acceptor variant.
Genome position (GRCh38, 1-based): chrX:32,699,294, C>A on the plus strand (G>T on the coding strand, the complement: DMD is on the minus strand). VCF-style: chrX-32699294-C-A. GRCh37 (hg19) VCF-style: chrX-32717411-C-A.
Other names: c.626-1G>T (NM_000109.4); c.638-1G>T (NM_004009.3); c.281-1G>T (NM_004010.3).
Identifiers: ClinVar variation 1520379 (VCV001520379.8), dbSNP rs2063903818, ClinGen allele CA412669198.